The following is an entry in ClinVar:

NM_006440.5(TXNRD2):c.458del (p.Lys153fs)

Gene: TXNRD2 (thioredoxin reductase 2; minus strand). Cytogenetic location: 22q11.21.
Variant type: Deletion.
Coding change: c.458del on transcript NM_006440.5 (MANE Select); coding-DNA position 458, one base deleted (A; older notation c.458delA).
Protein change: p.Lys153fs; shifts the reading frame from lysine 153.
Molecular consequence: frameshift variant. On other transcripts: non-coding transcript variant (1).
Genome position (GRCh38, 1-based): chr22:19,915,835, T deleted on the plus strand (A on the coding strand, the reverse complement: TXNRD2 is on the minus strand); the first of 2 consecutive T bases (chr22:19,915,835-19,915,836); deleting either gives the same sequence. VCF-style (leftmost placement, unchanged base first): chr22-19915834-CT-C. GRCh37 (hg19) VCF-style: chr22-19903357-CT-C.
Other names: c.458del, p.Lys153fs (NM_001282512.3); c.455del, p.Lys152fs (NM_001352300.2); c.368del, p.Lys123fs (NM_001352301.2); c.170del, p.Lys57fs (NM_001352302.2); c.362del, p.Lys121fs (NM_001352303.2); c.458delA (NM_006440.3); short protein forms K121fs, K123fs, K152fs, K153fs, K57fs.
Identifiers: ClinVar variation 3225594 (VCV003225594.1), dbSNP rs1253053490, ClinGen allele CA751491891.
Genomic context (GRCh38, chr22:19,915,834, plus strand): 5'-ACCTTTGGCAACGCCGCAAACCGTGTGCTCGTCAACAAAGCTGGCTTTGATGTTAAAGTA[CT>C]TGACTTTTCTGAAAGATAAAGATAAGATTTTCAAACACTTCCTCTGCAAATTAAACCTCA-3'

ClinVar aggregate classification (germline): Uncertain significance (1 of 4 stars; one submission).

Conditions:
Cardiovascular phenotype. Identifiers: MedGen CN230736.

Submission:

Ambry Genetics
Classification: Uncertain significance for Cardiovascular phenotype. Last evaluated: 2022-11-15. Review status: criteria provided, single submitter. Criteria: Ambry Variant Classification Scheme 2023. Collection method: clinical testing. Allele origin: germline.
Comment: The c.458delA variant, located in coding exon 6 of the TXNRD2 gene, results from a deletion of one nucleotide at nucleotide position 458, causing a translational frameshift with a predicted alternate stop codon (p.K153Sfs*62). This alteration is expected to result in protein truncation or nonsense-mediated mRNA decay. However, loss of function of TXNRD2 has not been established as a mechanism of disease. The evidence for this gene-disease relationship is limited; therefore, the clinical significance of this alteration is unclear.